The following is an entry in ClinVar:

NM_006088.6(TUBB4B):c.852G>T (p.Leu284=)

Gene: TUBB4B (tubulin beta 4B class IVb; plus strand). Cytogenetic location: 9q34.3.
Variant type: single nucleotide variant.
Coding change: c.852G>T on transcript NM_006088.6 (MANE Select); coding-DNA position 852, G replaced by T.
Protein change: p.Leu284=; no amino-acid change (leucine 284 retained).
Molecular consequence: synonymous variant.
Genome position (GRCh38, 1-based): chr9:137,243,070, G>T. VCF-style: chr9-137243070-G-T. GRCh37 (hg19) VCF-style: chr9-140137522-G-T.
Identifiers: ClinVar variation 3050639 (VCV003050639.2), dbSNP rs779051325, ClinGen allele CA5365417.

ClinVar aggregate classification (germline): Likely benign (0 of 4 stars; one submission).

Conditions:
TUBB4B-related disorder. Also called: TUBB4B-related condition.

Allele frequency attached by ClinVar (database versions not stated): ExAC 0.00001.
gnomAD v4.1: 3 of 1,612,990 alleles (0.00019%); highest among the groups gnomAD compares: Non-Finnish European, 0.00025%; no homozygotes.

Submission:

PreventionGenetics, part of Exact Sciences
Classification: Likely benign for TUBB4B-related condition. Last evaluated: 2023-02-16. Review status: no assertion criteria provided. Collection method: clinical testing. Allele origin: germline.
Comment: This variant is classified as likely benign based on ACMG/AMP sequence variant interpretation guidelines (Richards et al. 2015 PMID: 25741868, with internal and published modifications).